The following is an entry in ClinVar:

NM_001312673.2(PCYT1A):c.776A>G (p.Lys259Arg)

Gene: PCYT1A (phosphate cytidylyltransferase 1A, choline; minus strand). Cytogenetic location: 3q29.
Variant type: single nucleotide variant.
Coding change: c.776A>G on transcript NM_001312673.2 (MANE Select); coding-DNA position 776, A replaced by G.
Protein change: p.Lys259Arg; replaces lysine 259 with arginine.
Molecular consequence: missense variant.
Genome position (GRCh38, 1-based): chr3:196,239,668, T>C on the plus strand (A>G on the coding strand, the complement: PCYT1A is on the minus strand). VCF-style: chr3-196239668-T-C. GRCh37 (hg19) VCF-style: chr3-195966539-T-C.
Other names: c.776A>G, p.Lys259Arg (NM_005017.4); short protein forms K259R.
Identifiers: ClinVar variation 1953295 (VCV001953295.5), dbSNP rs913593005, ClinGen allele CA90850839.

ClinVar aggregate classification (germline): Uncertain significance (1 of 4 stars; one submission).

Allele frequency attached by ClinVar (database versions not stated): TOPMed below 0.00001.

Submission:

Labcorp Genetics (formerly Invitae), Labcorp
Classification: Uncertain significance. Last evaluated: 2022-01-21. Review status: criteria provided, single submitter. Criteria: Invitae Variant Classification Sherloc (09022015). Collection method: clinical testing. Allele origin: germline.
Comment: This variant has not been reported in the literature in individuals affected with PCYT1A-related conditions. This variant is not present in population databases (gnomAD no frequency). This sequence change replaces lysine, which is basic and polar, with arginine, which is basic and polar, at codon 259 of the PCYT1A protein (p.Lys259Arg). Advanced modeling of protein sequence and biophysical properties (such as structural, functional, and spatial information, amino acid conservation, physicochemical variation, residue mobility, and thermodynamic stability) performed at Invitae indicates that this missense variant is not expected to disrupt PCYT1A protein function. In summary, the available evidence is currently insufficient to determine the role of this variant in disease. Therefore, it has been classified as a Variant of Uncertain Significance.